The following is an entry in ClinVar:

NM_001408.3(CELSR2):c.5794T>G (p.Leu1932Val)

Gene: CELSR2 (cadherin EGF LAG seven-pass G-type receptor 2; plus strand). Cytogenetic location: 1p13.3.
Variant type: single nucleotide variant.
Coding change: c.5794T>G on transcript NM_001408.3 (MANE Select); coding-DNA position 5794, T replaced by G.
Protein change: p.Leu1932Val; replaces leucine 1932 with valine.
Molecular consequence: missense variant.
Genome position (GRCh38, 1-based): chr1:109,265,801, T>G. VCF-style: chr1-109265801-T-G. GRCh37 (hg19) VCF-style: chr1-109808423-T-G.
Other names: short protein forms L1932V.
Identifiers: ClinVar variation 714933 (VCV000714933.34), dbSNP rs138787753, ClinGen allele CA987660.

ClinVar aggregate classification (germline): Likely benign. Review status: criteria provided, multiple submitters, no conflicts (2 of 4 stars). 5 submissions from 5 submitters: Likely benign (4). 1 of the submissions does not count toward it. Last evaluated 2025-12-18.

Conditions:
CELSR2-related disorder. Also called: CELSR2-related condition.

Allele frequency attached by ClinVar (database versions not stated): 1000 Genomes Project 30x 0.00078; 1000 Genomes Project 0.00100; TOPMed 0.00168; gnomAD 0.00173 and 0.00184; ESP Exome Variant Server 0.00200; gnomAD exomes 0.00214 and 0.00219; ExAC 0.00217.
gnomAD v4.1: 3,482 of 1,614,062 alleles (0.22%); highest among the groups gnomAD compares: Middle Eastern, 0.61%; 11 homozygotes.

Submissions (5):

Labcorp Genetics (formerly Invitae), Labcorp
Classification: Likely benign. Last evaluated: 2025-12-18. Review status: criteria provided, single submitter. Criteria: Invitae Variant Classification Sherloc (09022015). Collection method: clinical testing. Allele origin: germline.

Blueprint Genetics
Classification: Likely benign. Last evaluated: 2024-11-20. Review status: criteria provided, single submitter. Criteria: ACMG Guidelines, 2015. Collection method: clinical testing. Allele origin: germline.

CeGaT Center for Human Genetics Tuebingen
Classification: Likely benign. Last evaluated: 2023-07-01. Review status: criteria provided, single submitter. Criteria: CeGaT Center For Human Genetics Tuebingen Variant Classification Criteria Version 2. Collection method: clinical testing. Allele origin: germline. Affected: yes. Observed: 1 variant allele.
Comment: CELSR2: BP4, BS2

Breakthrough Genomics
Classification: Likely benign. Review status: criteria provided, single submitter. Criteria: ACMG Guidelines, 2015. Collection method: not provided. Allele origin: germline. Inheritance: Unknown mechanism. Affected: yes.

PreventionGenetics, part of Exact Sciences
Classification: Likely benign for CELSR2-related condition. Last evaluated: 2022-09-13. Review status: no assertion criteria provided. Collection method: clinical testing. Allele origin: germline. Not counted in ClinVar's aggregate classification.
Comment: This variant is classified as likely benign based on ACMG/AMP sequence variant interpretation guidelines (Richards et al. 2015 PMID: 25741868, with internal and published modifications).